The following is an entry in ClinVar:

ClinVar aggregate classification (germline): Uncertain significance (1 of 4 stars; one submission).

Submission:

Women's Health and Genetics/Laboratory Corporation of America, LabCorp
Classification: Uncertain significance. Last evaluated: 2025-10-22. Review status: criteria provided, single submitter. Criteria: LabCorp Variant Classification Summary - May 2015. Collection method: clinical testing. Allele origin: germline.
Comment: Variant summary: B3GALT6 c.149C>T (p.Pro50Leu) results in a non-conservative amino acid change in the encoded protein sequence. Algorithms developed to predict the effect of missense changes on protein structure and function are either unavailable or do not agree on the potential impact of this missense change. The frequency data for this variant in gnomAD is considered unreliable, as metrics indicate poor data quality at this position. To our knowledge, no occurrence of c.149C>T in individuals affected with B3GALT6-related conditions and no experimental evidence demonstrating its impact on protein function have been reported. No submitters have cited clinical-significance assessments for this variant to ClinVar. Based on the evidence outlined above, the variant was classified as uncertain significance.

NM_080605.4(B3GALT6):c.149C>T (p.Pro50Leu)

Gene: B3GALT6 (beta-1,3-galactosyltransferase 6; plus strand). Cytogenetic location: 1p36.33.
Variant type: single nucleotide variant.
Coding change: c.149C>T on transcript NM_080605.4 (MANE Select); coding-DNA position 149, C replaced by T.
Protein change: p.Pro50Leu; replaces proline 50 with leucine.
Molecular consequence: missense variant.
Genome position (GRCh38, 1-based): chr1:1,232,427, C>T. VCF-style: chr1-1232427-C-T. GRCh37 (hg19) VCF-style: chr1-1167807-C-T.
Other names: short protein forms P50L.
Identifiers: ClinVar variation 4687114 (VCV004687114.1).